The following is an entry in ClinVar:

NM_000135.4(FANCA):c.2974C>T (p.His992Tyr)

Gene: FANCA (FA complementation group A; minus strand). Cytogenetic location: 16q24.3.
Variant type: single nucleotide variant.
Coding change: c.2974C>T on transcript NM_000135.4 (MANE Select); coding-DNA position 2974, C replaced by T.
Protein change: p.His992Tyr; replaces histidine 992 with tyrosine.
Molecular consequence: missense variant.
Genome position (GRCh38, 1-based): chr16:89,758,584, G>A on the plus strand (C>T on the coding strand, the complement: FANCA is on the minus strand). VCF-style: chr16-89758584-G-A. GRCh37 (hg19) VCF-style: chr16-89824992-G-A.
Other names: c.2974C>T, p.His992Tyr (NM_001286167.3); c.2974C>T (NM_000135.2); short protein forms H992Y.
Identifiers: ClinVar variation 1021119 (VCV001021119.10), dbSNP rs967438026, ClinGen allele CA286549093.

ClinVar aggregate classification (germline): Uncertain significance. Review status: criteria provided, multiple submitters, no conflicts (2 of 4 stars). 3 submissions from 3 submitters: Uncertain significance (2). 1 of the submissions does not count toward it. Last evaluated 2025-12-07.

Conditions:
Inborn genetic diseases. Identifiers: MedGen C0950123, MeSH D030342.
Fanconi anemia (FA). Also called: Fanconi's anemia. Identifiers: Orphanet 84, MedGen C0015625, MeSH D005199, MONDO:0019391.

Allele frequency attached by ClinVar (database versions not stated): gnomAD 0.00001; gnomAD exomes 0.00001; TOPMed 0.00001.
gnomAD v4.1: 21 of 1,613,542 alleles (0.0013%); highest among the groups gnomAD compares: Non-Finnish European, 0.0018%; no homozygotes.

Submissions (3):

Labcorp Genetics (formerly Invitae), Labcorp
Classification: Uncertain significance for Fanconi anemia. Last evaluated: 2025-12-07. Review status: criteria provided, single submitter. Criteria: Invitae Variant Classification Sherloc (09022015). Collection method: clinical testing. Allele origin: germline.
Comment: This sequence change replaces histidine, which is basic and polar, with tyrosine, which is neutral and polar, at codon 992 of the FANCA protein (p.His992Tyr). This variant is present in population databases (no rsID available, gnomAD 0.002%). This variant has not been reported in the literature in individuals affected with FANCA-related conditions. ClinVar contains an entry for this variant (Variation ID: 1021119). Invitae Evidence Modeling of protein sequence and biophysical properties (such as structural, functional, and spatial information, amino acid conservation, physicochemical variation, residue mobility, and thermodynamic stability) indicates that this missense variant is not expected to disrupt FANCA protein function with a negative predictive value of 95%. In summary, the available evidence is currently insufficient to determine the role of this variant in disease. Therefore, it has been classified as a Variant of Uncertain Significance.

Ambry Genetics
Classification: Uncertain significance for Inborn genetic diseases. Last evaluated: 2025-04-18. Review status: criteria provided, single submitter. Criteria: Ambry Variant Classification Scheme 2023. Collection method: clinical testing. Allele origin: germline.

Natera, Inc.
Classification: Uncertain significance for Fanconi anemia. Last evaluated: 2020-08-04. Review status: no assertion criteria provided. Collection method: clinical testing. Allele origin: germline. Not counted in ClinVar's aggregate classification.